The following is an entry in ClinVar:

NM_000128.4(F11):c.731A>G (p.Gln244Arg)

Gene: F11 (coagulation factor XI; plus strand). Cytogenetic location: 4q35.2.
Variant type: single nucleotide variant.
Coding change: c.731A>G on transcript NM_000128.4 (MANE Select); coding-DNA position 731, A replaced by G.
Protein change: p.Gln244Arg; replaces glutamine 244 with arginine.
Molecular consequence: missense variant.
Genome position (GRCh38, 1-based): chr4:186,276,366, A>G. VCF-style: chr4-186276366-A-G. GRCh37 (hg19) VCF-style: chr4-187197520-A-G.
Other names: short protein forms Q244R.
Identifiers: ClinVar variation 627369 (VCV000627369.17), dbSNP rs5969, ClinGen allele CA3163756.

ClinVar aggregate classification (germline): Conflicting classifications of pathogenicity. Review status: criteria provided, conflicting classifications (1 of 4 stars). 5 submissions from 5 submitters: Uncertain significance (1); Benign (2); Likely benign (1). 1 of the submissions does not count toward it. Last evaluated 2026-02-03.

Conditions:
Plasma factor XI deficiency.
Hereditary factor XI deficiency disease. Also called: PLASMA THROMBOPLASTIN ANTECEDENT DEFICIENCY; PTA DEFICIENCY; ROSENTHAL SYNDROME; Congenital factor XI deficiency. Identifiers: Orphanet 329, MedGen C0015523, MeSH D005173, MONDO:0012897, OMIM 612416.

Allele frequency attached by ClinVar (database versions not stated): gnomAD exomes 0.00168; ExAC 0.00189; gnomAD 0.00538 and 0.00564; TOPMed 0.00585; ESP Exome Variant Server 0.00600; 1000 Genomes Project 0.00879; 1000 Genomes Project 30x 0.00921.
gnomAD v4.1: 2,549 of 1,614,074 alleles (0.16%); highest among the groups gnomAD compares: African/African-American, 1.7%; 14 homozygotes.

Submissions (5):

Labcorp Genetics (formerly Invitae), Labcorp
Classification: Benign. Last evaluated: 2026-02-03. Review status: criteria provided, single submitter. Criteria: Invitae Variant Classification Sherloc (09022015). Collection method: clinical testing. Allele origin: germline.

Blueprint Genetics
Classification: Likely benign. Last evaluated: 2024-11-25. Review status: criteria provided, single submitter. Criteria: ACMG Guidelines, 2015. Collection method: clinical testing. Allele origin: germline.

NIHR Bioresource Rare Diseases, University of Cambridge
Classification: Uncertain significance for Hereditary factor XI deficiency disease. Last evaluated: 2019-02-01. Review status: criteria provided, single submitter. Criteria: ACMG Guidelines, 2015. Collection method: research. Allele origin: unknown. Affected: yes. Observed: 1 heterozygote. Study: ThromboGenomics.

Illumina Laboratory Services, Illumina
Classification: Benign for Hereditary factor XI deficiency disease. Last evaluated: 2017-04-27. Review status: criteria provided, single submitter. Criteria: ICSL Variant Classification Criteria 13 December 2019. Collection method: clinical testing. Allele origin: germline.
Comment: This variant was observed as part of a predisposition screen in an ostensibly healthy population. A literature search was performed for the gene, cDNA change, and amino acid change (where applicable). Publications were found based on this search. The evidence from the literature, in combination with allele frequency data from public databases where available, was sufficient to rule this variant out of causing disease. Therefore, this variant is classified as benign.

Natera, Inc.
Classification: Likely benign for Plasma factor XI deficiency. Last evaluated: 2020-04-20. Review status: no assertion criteria provided. Collection method: clinical testing. Allele origin: germline. Not counted in ClinVar's aggregate classification.

Literature cited by the submitters: PubMed 31064749 (cited by NIHR Bioresource Rare Diseases, University of Cambridge); PubMed 22159456 (cited by Illumina Laboratory Services, Illumina); PubMed 11418471 (cited by Illumina Laboratory Services, Illumina); PubMed 9787168 (cited by Illumina Laboratory Services, Illumina).